The following is an entry in ClinVar:

ClinVar aggregate classification (germline): Uncertain significance. Review status: criteria provided, multiple submitters, no conflicts (2 of 4 stars). 5 submissions from 5 submitters: Uncertain significance (3). 2 of the submissions do not count toward it. Last evaluated 2024-05-06.

Conditions:
Polycystic kidney disease 4 (PKD4). Also called: POLYCYSTIC KIDNEY DISEASE 4 WITH OR WITHOUT POLYCYSTIC LIVER DISEASE; PKD3; Autosomal Recessive Polycystic Kidney Disease – PKHD1; POLYCYSTIC KIDNEY AND HEPATIC DISEASE 1; POLYCYSTIC KIDNEY DISEASE, INFANTILE, TYPE I. Identifiers: MedGen C4540575, MONDO:0033004, OMIM 263200.
PKHD1-related disorder. Also called: PKHD1-related condition.
Autosomal recessive polycystic kidney disease (ARPKD). Also called: AR polycystic kidney disease. Identifiers: Orphanet 731, Orphanet 8378, MedGen C0085548, MeSH D017044, MONDO:0009889.

Allele frequency attached by ClinVar (database versions not stated): gnomAD 0.00004 and 0.00005; gnomAD exomes 0.00004 and 0.00005; ExAC 0.00005; TOPMed 0.00006; ESP Exome Variant Server 0.00008.
gnomAD v4.1: 66 of 1,614,176 alleles (0.0041%); highest among the groups gnomAD compares: Middle Eastern, 0.033%; no homozygotes.

Submissions (5):

Fulgent Genetics
Classification: Uncertain significance for Polycystic kidney disease 4. Last evaluated: 2024-05-06. Review status: criteria provided, single submitter. Criteria: ACMG Guidelines, 2015. Collection method: clinical testing. Allele origin: germline.

Labcorp Genetics (formerly Invitae), Labcorp
Classification: Uncertain significance for Autosomal recessive polycystic kidney disease. Last evaluated: 2021-08-26. Review status: criteria provided, single submitter. Criteria: Invitae Variant Classification Sherloc (09022015). Collection method: clinical testing. Allele origin: germline.
Comment: This sequence change replaces arginine with cysteine at codon 1369 of the PKHD1 protein (p.Arg1369Cys). The arginine residue is moderately conserved and there is a large physicochemical difference between arginine and cysteine. This variant is present in population databases (rs368974211, ExAC 0.03%). This variant has not been reported in the literature in individuals affected with PKHD1-related conditions. ClinVar contains an entry for this variant (Variation ID: 288588). Algorithms developed to predict the effect of missense changes on protein structure and function output the following: SIFT: "Tolerated"; PolyPhen-2: "Possibly Damaging"; Align-GVGD: "Class C0". The cysteine amino acid residue is found in multiple mammalian species, which suggests that this missense change does not adversely affect protein function. In summary, the available evidence is currently insufficient to determine the role of this variant in disease. Therefore, it has been classified as a Variant of Uncertain Significance.

Eurofins Ntd Llc (ga)
Classification: Uncertain significance. Last evaluated: 2016-06-21. Review status: criteria provided, single submitter. Criteria: EGL Classification Definitions 2015. Collection method: clinical testing. Allele origin: germline. Observed: 2 variant alleles, 2 heterozygotes.

PreventionGenetics, part of Exact Sciences
Classification: Uncertain significance for PKHD1-related condition. Last evaluated: 2023-11-22. Review status: no assertion criteria provided. Collection method: clinical testing. Allele origin: germline. Not counted in ClinVar's aggregate classification.
Comment: The PKHD1 c.4105C>T variant is predicted to result in the amino acid substitution p.Arg1369Cys. This variant has been reported along with a second PKHD1 variant in a patient with Caroli syndrome (Mavlikeev et al. 2019. PubMed ID: 30343465). This variant is reported in 0.020% of alleles in individuals of Latino descent in gnomAD. At this time, the clinical significance of this variant is uncertain due to the absence of conclusive functional and genetic evidence.

Natera, Inc.
Classification: Uncertain significance for Autosomal recessive polycystic kidney disease. Last evaluated: 2018-10-30. Review status: no assertion criteria provided. Collection method: clinical testing. Allele origin: germline. Not counted in ClinVar's aggregate classification.

NM_138694.4(PKHD1):c.4105C>T (p.Arg1369Cys)

Gene: PKHD1 (PKHD1 ciliary IPT domain containing fibrocystin/polyductin; minus strand). Cytogenetic location: 6p12.2.
Variant type: single nucleotide variant.
Coding change: c.4105C>T on transcript NM_138694.4 (MANE Select); coding-DNA position 4105, C replaced by T.
Protein change: p.Arg1369Cys; replaces arginine 1369 with cysteine.
Molecular consequence: missense variant.
Genome position (GRCh38, 1-based): chr6:52,025,705, G>A on the plus strand (C>T on the coding strand, the complement: PKHD1 is on the minus strand). VCF-style: chr6-52025705-G-A. GRCh37 (hg19) VCF-style: chr6-51890503-G-A.
Other names: c.4105C>T, p.Arg1369Cys (NM_170724.3); short protein forms R1369C.
Identifiers: ClinVar variation 288588 (VCV000288588.14), dbSNP rs368974211, ClinGen allele CA3852781.
Genomic context (GRCh38, chr6:52,025,705, plus strand): 5'-GCATCACTGCAAATTGCTGGAGCACCACAGACATATTAGCAAATCCCATCTGCTTCTGAC[G>A]TACTTGGAGAGGATAGATGCCAGCCTCCAGACTGTGAAGAGGGATGGAGCATCCAGACAG-3'
Protein context (NP_619639.3, residues 1359-1379): LEAGIYPLQV[Arg1369Cys]QKQMGFANMS